The following is an entry in ClinVar:

ClinVar aggregate classification (germline): Uncertain significance. Review status: criteria provided, multiple submitters, no conflicts (2 of 4 stars). 2 submissions from 2 submitters: Uncertain significance (2). Last evaluated 2025-09-09.

Conditions:
Inborn genetic diseases. Identifiers: MedGen C0950123, MeSH D030342.
Hereditary spastic paraplegia 45. Also called: SPASTIC PARAPLEGIA 45; Spastic paraplegia 45, autosomal recessive. Identifiers: Orphanet 320396, MedGen C3888209, MONDO:0013165, OMIM 613162.

Allele frequency attached by ClinVar (database versions not stated): gnomAD exomes 0.00001; TOPMed 0.00001; ExAC 0.00002.
gnomAD v4.1: 10 of 1,613,686 alleles (0.00062%); highest among the groups gnomAD compares: South Asian, 0.0011%; no homozygotes.

Submissions (2):

Ambry Genetics
Classification: Uncertain significance for Inborn genetic diseases. Last evaluated: 2025-09-09. Review status: criteria provided, single submitter. Criteria: Ambry Variant Classification Scheme 2023. Collection method: clinical testing. Allele origin: germline.

Labcorp Genetics (formerly Invitae), Labcorp
Classification: Uncertain significance for Hereditary spastic paraplegia 45. Last evaluated: 2022-02-11. Review status: criteria provided, single submitter. Criteria: Invitae Variant Classification Sherloc (09022015). Collection method: clinical testing. Allele origin: germline.
Comment: This sequence change replaces alanine, which is neutral and non-polar, with valine, which is neutral and non-polar, at codon 540 of the NT5C2 protein (p.Ala540Val). This variant is present in population databases (rs200203060, gnomAD 0.003%). This variant has not been reported in the literature in individuals affected with NT5C2-related conditions. Algorithms developed to predict the effect of missense changes on protein structure and function (SIFT, PolyPhen-2, Align-GVGD) all suggest that this variant is likely to be tolerated. In summary, the available evidence is currently insufficient to determine the role of this variant in disease. Therefore, it has been classified as a Variant of Uncertain Significance.

NM_001351169.2(NT5C2):c.1619C>T (p.Ala540Val)

Genes: CNNM2 (cyclin and CBS domain divalent metal cation transport mediator 2; plus strand), NT5C2 (5'-nucleotidase, cytosolic II; minus strand). Cytogenetic location: 10q24.32.
Variant type: single nucleotide variant.
Coding change: c.1619C>T on transcript NM_001351169.2 (MANE Select); coding-DNA position 1619, C replaced by T.
Protein change: p.Ala540Val; replaces alanine 540 with valine.
Molecular consequence: missense variant. On other transcripts: 3 prime UTR variant (2).
Genome position (GRCh38, 1-based): chr10:103,089,739, G>A on the plus strand (C>T on the coding strand, the complement: NT5C2 is on the minus strand). VCF-style: chr10-103089739-G-A. GRCh37 (hg19) VCF-style: chr10-104849496-G-A.
Other names: c.1046C>T, p.Ala349Val (NM_001351184.2, NM_001351185.2, NM_001351186.2 and 16 more transcripts); c.1619C>T, p.Ala540Val (NM_001134373.3, NM_012229.5); c.1643C>T, p.Ala548Val (NM_001351170.2, NM_001351171.2, NM_001351172.2 and 1 more transcripts); c.1532C>T, p.Ala511Val (NM_001351174.1); c.1526C>T, p.Ala509Val (NM_001351175.2); c.905C>T, p.Ala302Val (NM_001351195.2, NM_001351196.2, NM_001351194.2); c.*12559G>A (NM_017649.5, NM_199076.3); short protein forms A302V, A349V, A511V, A540V, A509V, A548V.
Identifiers: ClinVar variation 2201598 (VCV002201598.3), dbSNP rs200203060, ClinGen allele CA5670715.